The following is an entry in ClinVar:

ClinVar aggregate classification (germline): Uncertain significance (1 of 4 stars; one submission).

Allele frequency attached by ClinVar (database versions not stated): gnomAD 0.00003; TOPMed 0.00003.
gnomAD v4.1: 4 of 1,613,514 alleles (0.00025%); highest among the groups gnomAD compares: African/African-American, 0.004%; no homozygotes.

Submission:

Ambry Genetics
Classification: Uncertain significance. Last evaluated: 2023-04-24. Review status: criteria provided, single submitter. Criteria: Ambry Variant Classification Scheme 2023. Collection method: clinical testing. Allele origin: germline.
Comment: The p.M798V variant (also known as c.2392A>G), located in coding exon 16 of the CTNNA3 gene, results from an A to G substitution at nucleotide position 2392. The methionine at codon 798 is replaced by valine, an amino acid with highly similar properties. This amino acid position is conserved. In addition, this alteration is predicted to be tolerated by in silico analysis. Since supporting evidence is limited at this time, the clinical significance of this alteration remains unclear.

NM_013266.4(CTNNA3):c.2392A>G (p.Met798Val)

Gene: CTNNA3 (catenin alpha 3; minus strand). Cytogenetic location: 10q21.3.
Variant type: single nucleotide variant.
Coding change: c.2392A>G on transcript NM_013266.4 (MANE Select); coding-DNA position 2392, A replaced by G.
Protein change: p.Met798Val; replaces methionine 798 with valine.
Molecular consequence: missense variant.
Genome position (GRCh38, 1-based): chr10:65,966,620, T>C on the plus strand (A>G on the coding strand, the complement: CTNNA3 is on the minus strand). VCF-style: chr10-65966620-T-C. GRCh37 (hg19) VCF-style: chr10-67726378-T-C.
Other names: c.2392A>G, p.Met798Val (NM_001127384.3); short protein forms M798V.
Identifiers: ClinVar variation 2564943 (VCV002564943.2), dbSNP rs1452042848, ClinGen allele CA377089892.
Genomic context (GRCh38, chr10:65,966,620, plus strand): 5'-CTGTTTCAAGCATCTTCCACCTGTGATCATGTAAGTGCTAGGCAGTACTCACAGCTGACA[T>C]GATGAGCTCTCCTCCCAGGTTCTGGATCTCAGCTTTAACTTGACTGCAGATTTTCAGTTG-3'
Protein context (NP_037398.2, residues 788-808): EIQNLGGELI[Met798Val]SALDSVTSLI